The following is an entry in ClinVar:

NM_020340.5(ARFGEF3):c.3321G>A (p.Gly1107=)

Gene: ARFGEF3 (ARFGEF family member 3; plus strand). Cytogenetic location: 6q23.3.
Variant type: single nucleotide variant.
Coding change: c.3321G>A on transcript NM_020340.5 (MANE Select); coding-DNA position 3321, G replaced by A.
Protein change: p.Gly1107=; no amino-acid change (glycine 1107 retained).
Molecular consequence: synonymous variant.
Genome position (GRCh38, 1-based): chr6:138,292,006, G>A. VCF-style: chr6-138292006-G-A. GRCh37 (hg19) VCF-style: chr6-138613143-G-A.
Identifiers: ClinVar variation 3055768 (VCV003055768.2), dbSNP rs576282820, ClinGen allele CA4021052.

ClinVar aggregate classification (germline): Likely benign (0 of 4 stars; one submission).

Conditions:
ARFGEF3-related disorder. Also called: ARFGEF3-related condition.

Allele frequency attached by ClinVar (database versions not stated): TOPMed 0.00032.
gnomAD v4.1: 821 of 1,529,404 alleles (0.054%); highest among the groups gnomAD compares: Non-Finnish European, 0.07%; no homozygotes.

Submission:

PreventionGenetics, part of Exact Sciences
Classification: Likely benign for ARFGEF3-related condition. Last evaluated: 2019-05-01. Review status: no assertion criteria provided. Collection method: clinical testing. Allele origin: germline.
Comment: This variant is classified as likely benign based on ACMG/AMP sequence variant interpretation guidelines (Richards et al. 2015 PMID: 25741868, with internal and published modifications).